The following is an entry in ClinVar:

NM_001844.5(COL2A1):c.303_309+2delinsCTGGAGTGCAGTGGTGCGGTCTTGGCTCACTACAACCTCCACCTCTCAAGTTCAAGCAATTCTGCCTCAGCCTCCTGAGTAACTGGGATTACAGGCATGTGTCACCACACCTGGCTAATTTTTTTATTGTTATTTTTAGTAGAGACTGGGTTTTGCTATGTTGGCCAGGCTGGTCTGGAACTCCTGACCTCAGGTGATCCACCCGCCTCAGGCTCCCAAGGTGCTGGGATTACAGGCGTGAGCTGTAAA

Gene: COL2A1 (collagen type II alpha 1 chain; minus strand). Cytogenetic location: 12q13.11.
Variant type: Indel.
Coding change: c.303_309+2delinsCTGGAGTGCAGTGGTGCGGTCTTGGCTCACTACAACCTCCACCTCTCAAGTTCAAGCAATTCTGCCTCAGCCTCCTGAGTAACTGGGATTACAGGCATGTGTCACCACACCTGGCTAATTTTTTTATTGTTATTTTTAGTAGAGACTGGGTTTTGCTATGTTGGCCAGGCTGGTCTGGAACTCCTGACCTCAGGTGATCCACCCGCCTCAGGCTCCCAAGGTGCTGGGATTACAGGCGTGAGCTGTAAA on transcript NM_001844.5 (MANE Select); coding-DNA position 303 through the canonical splice donor site of the intron after coding-DNA position 309, the reference bases replaced by an inserted sequence.
Molecular consequence: splice donor variant.
Genome position (GRCh38, 1-based): chr12:47,998,413-47,998,421, 9 bases replaced. GRCh37 (hg19): chr12:48,392,196-48,392,204.
Other names: c.96_102+2delinsCTGGAGTGCAGTGGTGCGGTCTTGGCTCACTACAACCTCCACCTCTCAAGTTCAAGCAATTCTGCCTCAGCCTCCTGAGTAACTGGGATTACAGGCATGTGTCACCACACCTGGCTAATTTTTTTATTGTTATTTTTAGTAGAGACTGGGTTTTGCTATGTTGGCCAGGCTGGTCTGGAACTCCTGACCTCAGGTGATCCACCCGCCTCAGGCTCCCAAGGTGCTGGGATTACAGGCGTGAGCTGTAAA (NM_033150.3).
Identifiers: ClinVar variation 3649165 (VCV003649165.2).

ClinVar aggregate classification (germline): Pathogenic (1 of 4 stars; one submission).

Submission:

Labcorp Genetics (formerly Invitae), Labcorp
Classification: Pathogenic. Last evaluated: 2024-04-09. Review status: criteria provided, single submitter. Criteria: Invitae Variant Classification Sherloc (09022015). Collection method: clinical testing. Allele origin: germline.
Comment: This variant results in the deletion of part of exon 3 (c.303_309+2delins249) of the COL2A1 gene. It is expected to disrupt RNA splicing. Variants that disrupt the donor or acceptor splice site typically lead to a loss of protein function (PMID: 16199547), and loss-of-function variants in COL2A1 are known to be pathogenic (PMID: 20179744). This variant is not present in population databases (gnomAD no frequency). This variant has been observed in individual(s) with Stickler syndrome (Invitae). For these reasons, this variant has been classified as Pathogenic.

Literature cited by the submitters: PubMed 16199547; PubMed 20179744.